The following is an entry in ClinVar:

ClinVar aggregate classification (germline): Likely benign (1 of 4 stars; one submission).

gnomAD v4.1: 11,374 of 353,856 alleles (3.2%); highest among the groups gnomAD compares: Non-Finnish European, 4.4%; 244 homozygotes.

Submission:

GeneDx
Classification: Likely benign. Last evaluated: 2019-06-15. Review status: criteria provided, single submitter. Criteria: GeneDx Variant Classification Process June 2021. Collection method: clinical testing. Allele origin: germline. Affected: yes.
Comment: See Variant Classification Assertion Criteria.

NM_017489.3(TERF1):c.948-213C>T

Gene: TERF1 (telomeric repeat binding factor 1; plus strand). Cytogenetic location: 8q21.11.
Variant type: single nucleotide variant.
Coding change: c.948-213C>T on transcript NM_017489.3 (MANE Select); 213 bases into the intron before coding-DNA position 948, C replaced by T.
Molecular consequence: intron variant.
Genome position (GRCh38, 1-based): chr8:73,031,829, C>T. VCF-style: chr8-73031829-C-T. GRCh37 (hg19) VCF-style: chr8-73944064-C-T.
Other names: c.636-213C>T (NM_001413365.1, NM_001413367.1); c.576-213C>T (NM_001413366.1, NM_001413368.1); c.948-213C>T (NM_001413364.1, NM_001413371.1); c.888-213C>T (NM_001413374.1, NM_001410928.1, NM_001413373.1 and 1 more transcripts); c.774+6858C>T (NM_001413369.1); c.852-213C>T (NM_001413370.1); c.792-213C>T (NM_001413372.1).
Identifiers: ClinVar variation 4795420 (VCV004795420.1).
Genomic context (GRCh38, chr8:73,031,829, plus strand): 5'-CTTGTCTTTTCTTTTTTTTGCCTGCTTCTTCTGAGACATCAAAAAACATCTTGATTTCTG[C>T]GGAGTAGATGAGATGGAGAAAGATGAGACAGGCAACAGAAATCTTAAGAGGCCACAGGTT-3'